The following is an entry in ClinVar:

NM_020458.4(TTC7A):c.141C>A (p.Asn47Lys)

Genes: MCFD2 (multiple coagulation factor deficiency 2, ER cargo receptor complex subunit; minus strand), TTC7A (tetratricopeptide repeat domain 7A; plus strand). Cytogenetic location: 2p21.
Variant type: single nucleotide variant.
Coding change: c.141C>A on transcript NM_020458.4 (MANE Select); coding-DNA position 141, C replaced by A.
Protein change: p.Asn47Lys; replaces asparagine 47 with lysine.
Molecular consequence: missense variant. On other transcripts: 5 prime UTR variant (3), intron variant (1).
Genome position (GRCh38, 1-based): chr2:46,941,682, C>A. VCF-style: chr2-46941682-C-A. GRCh37 (hg19) VCF-style: chr2-47168821-C-A.
Other names: c.141C>A, p.Asn47Lys (NM_001288951.2); c.-764C>A (NM_001288955.2); c.-117G>T (NM_001171508.2); c.-19G>T (NM_001171511.3); c.83-8681C>A (NM_001288953.2); short protein forms N47K.
Identifiers: ClinVar variation 1502463 (VCV001502463.6), dbSNP rs1454748257, ClinGen allele CA346715815.

ClinVar aggregate classification (germline): Uncertain significance (1 of 4 stars; one submission).

Conditions:
Multiple gastrointestinal atresias. Also called: FAMILIAL INTESTINAL POLYATRESIA SYNDROME; Multiple intestinal atresia. Identifiers: Orphanet 2300, MedGen C0220744, MONDO:0009465.

Allele frequency attached by ClinVar (database versions not stated): TOPMed below 0.00001.
gnomAD v4.1: 1 of 1,551,520 alleles (0.000064%); highest among the groups gnomAD compares: Non-Finnish European, 0.000087%; no homozygotes.

Submission:

Labcorp Genetics (formerly Invitae), Labcorp
Classification: Uncertain significance for Multiple gastrointestinal atresias. Last evaluated: 2021-08-24. Review status: criteria provided, single submitter. Criteria: Invitae Variant Classification Sherloc (09022015). Collection method: clinical testing. Allele origin: germline.
Comment: This sequence change replaces asparagine with lysine at codon 47 of the TTC7A protein (p.Asn47Lys). The asparagine residue is weakly conserved and there is a moderate physicochemical difference between asparagine and lysine. The frequency data for this variant in the population databases is considered unreliable, as metrics indicate insufficient coverage at this position in the ExAC database. This variant has not been reported in the literature in individuals affected with TTC7A-related conditions. Algorithms developed to predict the effect of missense changes on protein structure and function (SIFT, PolyPhen-2, Align-GVGD) all suggest that this variant is likely to be tolerated. In summary, the available evidence is currently insufficient to determine the role of this variant in disease. Therefore, it has been classified as a Variant of Uncertain Significance.